The following is an entry in ClinVar:

ClinVar aggregate classification (germline): Likely pathogenic (1 of 4 stars; one submission).

Conditions:
Hereditary pulmonary alveolar proteinosis. Also called: Pulmonary surfactant metabolism dysfunction. Identifiers: Orphanet 264675, MedGen C3711368, MONDO:0012580.

Submission:

Ambry Genetics
Classification: Likely pathogenic for Hereditary pulmonary alveolar proteinosis. Last evaluated: 2018-11-07. Review status: criteria provided, single submitter. Criteria: Ambry Variant Classification Scheme 2023. Collection method: clinical testing. Allele origin: germline.
Comment: The c.435G>A variant (also known as p.Q145Q), located in coding exon 4 of the SFTPC gene, results from a G to A substitution at nucleotide position 435. This nucleotide substitution does not change the glutamine at codon 145. However, this change occurs in the last base pair of coding exon 4, which makes it likely to have some effect on normal mRNA splicing. This alteration was detected in an infant with progressive respiratory failure. In addition, authors performed RT-PCR on mRNA from the infant's frozen lung tissue to demonstrate that this alteration caused complete skipping of exon four (Litao MK et al. Pediatr. Pulmonol., 2017 01;52:57-68). A different alteration located at the same position, c.435G>C, was detected in an individual diagnosed with severe diffuse lung disease in infancy (Guillot L et al. J. Med. Genet., 2009 Jul;46:490-4). In addition, in another study, authors performed minigene, biochemical, and immunofluorescence functional studies on c.435G>C and determined that it results in complete exon four skipping at the RNA level (r.325_435del). Furthermore, although exon four is in frame, authors showed that the truncated protein product (p.Leu109_Gln145del) results in altered intracellular trafficking and maturation (Delestrain C et al. Eur. J. Hum. Genet., 2017 06;25:779-782). This nucleotide position is highly conserved in available vertebrate species. Using the BDGP and ESEfinder splice site prediction tools, this alteration is predicted to weaken the efficiency of the native splice donor site; however, direct evidence is unavailable. Based on the majority of available evidence to date, this variant is likely to be pathogenic.

Literature cited by the submitters: PubMed 27362365.

NM_001317778.2(SFTPC):c.435G>A (p.Gln145=)

Gene: SFTPC (surfactant protein C; plus strand). Cytogenetic location: 8p21.3.
Variant type: single nucleotide variant.
Coding change: c.435G>A on transcript NM_001317778.2 (MANE Select); coding-DNA position 435, G replaced by A.
Protein change: p.Gln145=; no amino-acid change (glutamine 145 retained).
Molecular consequence: synonymous variant.
Genome position (GRCh38, 1-based): chr8:22,163,546, G>A. VCF-style: chr8-22163546-G-A. GRCh37 (hg19) VCF-style: chr8-22021059-G-A.
Other names: c.435G>A, p.Gln145= (NM_001172357.2, NM_001172410.2, NM_001317780.2 and 8 more transcripts); c.276G>A, p.Gln92= (NM_001317779.2, NM_001385660.1).
Identifiers: ClinVar variation 1739999 (VCV001739999.2), dbSNP rs2538945951, ClinGen allele CA459904730.